The following is an entry in ClinVar:

NM_001329943.3(KIAA0586):c.1130G>A (p.Gly377Glu)

Gene: KIAA0586 (KIAA0586; plus strand). Cytogenetic location: 14q23.1.
Variant type: single nucleotide variant.
Coding change: c.1130G>A on transcript NM_001329943.3 (MANE Select); coding-DNA position 1130, G replaced by A.
Protein change: p.Gly377Glu; replaces glycine 377 with glutamic acid.
Molecular consequence: missense variant.
Genome position (GRCh38, 1-based): chr14:58,453,350, G>A. VCF-style: chr14-58453350-G-A. GRCh37 (hg19) VCF-style: chr14-58920068-G-A.
Other names: c.1289G>A, p.Gly430Glu (NM_001244189.2); c.1085G>A, p.Gly362Glu (NM_001244190.2); c.875G>A, p.Gly292Glu (NM_001244191.2, NM_001329945.2, NM_001364700.1 and 1 more transcripts); c.998G>A, p.Gly333Glu (NM_001244192.2); c.710G>A, p.Gly237Glu (NM_001244193.2); c.1130G>A, p.Gly377Glu (NM_001329944.2, NM_001329946.2, NM_001329947.2 and 1 more transcripts); short protein forms G237E, G333E, G430E, G377E, G292E, G362E.
Identifiers: ClinVar variation 2171295 (VCV002171295.4), dbSNP rs768024676, ClinGen allele CA7205573.

ClinVar aggregate classification (germline): Uncertain significance (1 of 4 stars; one submission).

Conditions:
Short-rib thoracic dysplasia 14 with polydactyly (SRTD14). Identifiers: Orphanet 397715, MedGen C4225286, MONDO:0014688, OMIM 616546.
Joubert syndrome 23 (JBTS23). Identifiers: Orphanet 475, MedGen C4084822, MONDO:0014664, OMIM 616490.

Allele frequency attached by ClinVar (database versions not stated): ExAC 0.00004.
gnomAD v4.1: 12 of 1,273,320 alleles (0.00094%); highest among the groups gnomAD compares: South Asian, 0.012%; no homozygotes.

Submission:

Labcorp Genetics (formerly Invitae), Labcorp
Classification: Uncertain significance for Joubert syndrome 23; Short-rib thoracic dysplasia 14 with polydactyly. Last evaluated: 2022-05-28. Review status: criteria provided, single submitter. Criteria: Invitae Variant Classification Sherloc (09022015). Collection method: clinical testing. Allele origin: germline.
Comment: In summary, the available evidence is currently insufficient to determine the role of this variant in disease. Therefore, it has been classified as a Variant of Uncertain Significance. Algorithms developed to predict the effect of missense changes on protein structure and function output the following: SIFT: "Tolerated"; PolyPhen-2: "Benign"; Align-GVGD: "Class C0". The glutamic acid amino acid residue is found in multiple mammalian species, which suggests that this missense change does not adversely affect protein function. This variant has not been reported in the literature in individuals affected with KIAA0586-related conditions. The frequency data for this variant in the population databases is considered unreliable, as metrics indicate poor data quality at this position in the gnomAD database. This sequence change replaces glycine, which is neutral and non-polar, with glutamic acid, which is acidic and polar, at codon 430 of the KIAA0586 protein (p.Gly430Glu).